The following is an entry in ClinVar:

ClinVar aggregate classification (germline): Pathogenic (1 of 4 stars; one submission).

Allele frequency attached by ClinVar (database versions not stated): gnomAD 0.00001.
gnomAD v4.1: 3 of 1,614,000 alleles (0.00019%); highest among the groups gnomAD compares: Non-Finnish European, 0.00025%; no homozygotes.

Submission:

GeneDx
Classification: Pathogenic. Last evaluated: 2020-02-14. Review status: criteria provided, single submitter. Criteria: GeneDx Variant Classification Process June 2021. Collection method: clinical testing. Allele origin: germline. Affected: yes.
Comment: Nonsense variant predicted to result in protein truncation or nonsense mediated decay in a gene for which loss-of-function is a known mechanism of disease; Not observed at a significant frequency in large population cohorts (Lek et al., 2016); Has not been previously published as pathogenic or benign to our knowledge

NM_005857.5(ZMPSTE24):c.1097T>G (p.Leu366Ter)

Gene: ZMPSTE24 (zinc metallopeptidase STE24; plus strand). Cytogenetic location: 1p34.2.
Variant type: single nucleotide variant.
Coding change: c.1097T>G on transcript NM_005857.5 (MANE Select); coding-DNA position 1097, T replaced by G.
Protein change: p.Leu366Ter; replaces leucine 366 with a stop codon.
Molecular consequence: nonsense.
Genome position (GRCh38, 1-based): chr1:40,290,891, T>G. VCF-style: chr1-40290891-T-G. GRCh37 (hg19) VCF-style: chr1-40756563-T-G.
Other names: short protein forms L366*.
Identifiers: ClinVar variation 620353 (VCV000620353.3), dbSNP rs1431637197, ClinGen allele CA339871917.